The following is an entry in ClinVar:

NM_020975.6(RET):c.2007CTC[1] (p.Ser671del)

Gene: RET (ret proto-oncogene; plus strand). Cytogenetic location: 10q11.21.
Variant type: Microsatellite.
Coding change: c.2007CTC[1] on transcript NM_020975.6 (MANE Select); one copy of the 3-base unit CTC starting at c.2007; the reference has two copies in a row; one copy, 3 bases deleted; also written c.2010_2012del.
Protein change: p.Ser671del; deletes serine 671.
Molecular consequence: inframe deletion. On other transcripts: inframe indel (3), intron variant (4).
Genome position (GRCh38, 1-based): chr10:43,114,610-43,114,612, CTC deleted; deleting any 3 consecutive bases within chr10:43,114,607-43,114,612 gives the same sequence; the position shown is the placement nearest the transcript's 3' end. VCF-style (leftmost placement, unchanged base first): chr10-43114606-TCTC-T. GRCh37 (hg19) VCF-style: chr10-43610054-TCTC-T.
Other names: c.2007_2009CTC[1], p.Ser671del (NM_000323.2, NM_020629.2, NM_020975.4); c.1245CTC[1], p.Ser417del (NM_001355216.2); c.2007CTC[1], p.Ser671del (NM_001406743.1, NM_001406744.1, NM_001406759.1 and 2 more transcripts); c.1878CTC[1], p.Ser628del (NM_001406761.1, NM_001406762.1, NM_001406764.1); c.1719CTC[1], p.Ser575del (NM_001406766.1, NM_001406767.1, NM_001406770.1); c.1611CTC[1], p.Ser539del (NM_001406769.1, NM_001406772.1); c.1569CTC[1], p.Ser525del (NM_001406771.1, NM_001406773.1); c.1482CTC[1], p.Ser496del (NM_001406774.1); and 13 more; short protein forms S496del, S539del, S188del, S341del, S417del, S671del, S236del, S276del.
Identifiers: ClinVar variation 2735329 (VCV002735329.5), dbSNP rs2538498105, ClinGen allele CA2697558319.

ClinVar aggregate classification (germline): Uncertain significance. Review status: criteria provided, multiple submitters, no conflicts (2 of 4 stars). 3 submissions from 3 submitters: Uncertain significance (3). Last evaluated 2024-12-16.

Conditions:
Hereditary cancer-predisposing syndrome. Also called: Tumor predisposition; Hereditary Cancer Syndrome; Neoplastic Syndromes, Hereditary; Hereditary neoplastic syndrome. Identifiers: Orphanet 140162, MedGen C0027672, MeSH D009386, MONDO:0015356.
Multiple endocrine neoplasia, type 2 (MEN2). Identifiers: Orphanet 653, MedGen C4048306, MONDO:0019003. Disease mechanism: gain of function.

Submissions (3):

Ambry Genetics
Classification: Uncertain significance for Hereditary cancer-predisposing syndrome. Last evaluated: 2024-12-16. Review status: criteria provided, single submitter. Criteria: Ambry Variant Classification Scheme 2023. Collection method: clinical testing. Allele origin: germline.
Comment: The c.2010_2012delCTC variant (also known as p.S671del) is located in coding exon 11 of the RET gene. This variant results from an in-frame CTC deletion at nucleotide positions 2010 to 2012. This results in the in-frame deletion of a serine at codon 671. This amino acid position is highly conserved in available vertebrate species. In addition, the in silico prediction for this alteration is inconclusive (Choi Y et al. PLoS ONE. 2012; 7(10):e46688). Based on the available evidence, the clinical significance of this variant remains unclear.

GeneDx
Classification: Uncertain significance. Last evaluated: 2023-10-22. Review status: criteria provided, single submitter. Criteria: GeneDx Variant Classification Process June 2021. Collection method: clinical testing. Allele origin: germline. Affected: yes.
Comment: Not observed at significant frequency in large population cohorts (gnomAD); In-frame deletion of 1 amino acid in a non-repeat region; In silico analysis supports a deleterious effect on protein structure/function; Has not been previously published as pathogenic or benign to our knowledge; This variant is associated with the following publications: (PMID: 14633923)

Labcorp Genetics (formerly Invitae), Labcorp
Classification: Uncertain significance for Multiple endocrine neoplasia, type 2. Last evaluated: 2023-10-05. Review status: criteria provided, single submitter. Criteria: Invitae Variant Classification Sherloc (09022015). Collection method: clinical testing. Allele origin: germline.
Comment: This variant, c.2010_2012del, results in the deletion of 1 amino acid(s) of the RET protein (p.Ser671del), but otherwise preserves the integrity of the reading frame. This variant is not present in population databases (gnomAD no frequency). This variant has not been reported in the literature in individuals affected with RET-related conditions. Experimental studies and prediction algorithms are not available or were not evaluated, and the functional significance of this variant is currently unknown. In summary, the available evidence is currently insufficient to determine the role of this variant in disease. Therefore, it has been classified as a Variant of Uncertain Significance.